The following is an entry in ClinVar:

ClinVar aggregate classification (germline): Uncertain significance (1 of 4 stars; one submission).

Allele frequency attached by ClinVar (database versions not stated): gnomAD exomes below 0.00001.
gnomAD v4.1: 1 of 1,595,874 alleles (0.000063%); highest among the groups gnomAD compares: Non-Finnish European, 0.000085%; no homozygotes.

Submission:

GeneDx
Classification: Uncertain significance. Last evaluated: 2022-03-29. Review status: criteria provided, single submitter. Criteria: GeneDx Variant Classification Process June 2021. Collection method: clinical testing. Allele origin: germline. Affected: yes.
Comment: Not observed at significant frequency in large population cohorts (gnomAD); In silico analysis supports that this missense variant does not alter protein structure/function; Has not been previously published as pathogenic or benign to our knowledge

NM_033305.3(VPS13A):c.4972A>G (p.Ile1658Val)

Gene: VPS13A (vacuolar protein sorting 13 homolog A; plus strand). Cytogenetic location: 9q21.2.
Variant type: single nucleotide variant.
Coding change: c.4972A>G on transcript NM_033305.3 (MANE Select); coding-DNA position 4972, A replaced by G.
Protein change: p.Ile1658Val; replaces isoleucine 1658 with valine.
Molecular consequence: missense variant.
Genome position (GRCh38, 1-based): chr9:77,318,250, A>G. VCF-style: chr9-77318250-A-G. GRCh37 (hg19) VCF-style: chr9-79933166-A-G.
Other names: c.4855A>G, p.Ile1619Val (NM_001018037.2); c.4972A>G, p.Ile1658Val (NM_001018038.3, NM_015186.4); short protein forms I1619V, I1658V.
Identifiers: ClinVar variation 1707944 (VCV001707944.2), dbSNP rs2537995165, ClinGen allele CA373858945.